The following is an entry in ClinVar:

ClinVar aggregate classification (germline): Pathogenic/Likely pathogenic. Review status: criteria provided, multiple submitters, no conflicts (2 of 4 stars). 7 submissions from 7 submitters: Pathogenic (6); Likely pathogenic (1). Last evaluated 2026-09-03.

Conditions:
Cardiovascular phenotype. Identifiers: MedGen CN230736.
Hereditary cancer-predisposing syndrome. Also called: Neoplastic Syndromes, Hereditary; Hereditary Cancer Syndrome; Tumor predisposition; Hereditary neoplastic syndrome. Identifiers: Orphanet 140162, MedGen C0027672, MeSH D009386, MONDO:0015356.
Juvenile myelomonocytic leukemia (JMML). Also called: LEUKEMIA, JUVENILE MYELOMONOCYTIC, SOMATIC. Identifiers: Orphanet 86834, MedGen C0349639, MONDO:0011908, OMIM 607785, HP:0012209.
Neurofibromatosis, type 1 (NF1). Also called: NEUROFIBROMATOSIS, TYPE I, SOMATIC; Neurofibromatosis, type I; Peripheral type neurofibromatosis; VON RECKLINGHAUSEN DISEASE. Identifiers: Orphanet 636, MedGen C0027831, MONDO:0018975, OMIM 162200. Disease mechanism: loss of function.

Submissions (7):

Ambry Genetics
Classification: Pathogenic for Cardiovascular phenotype; Hereditary cancer-predisposing syndrome. Last evaluated: 2026-09-03. Review status: criteria provided, single submitter. Criteria: Ambry Variant Classification Scheme 2023. Collection method: clinical testing. Allele origin: germline.
Comment: The p.Q1426R variant (also known as c.4277A>G), located in coding exon 32 of the NF1 gene, results from an A to G substitution at nucleotide position 4277. The glutamine at codon 1426 is replaced by arginine, an amino acid with highly similar properties. This variant was reported in individuals with features consistent with neurofibromatosis type 1 (Ben-Shachar S et al. Eur J Hum Genet, 2013 May;21:535-9; Sharifi S et al. Balkan Med J, 2021 Nov;38:365-373). Other variants at the same codon, p.Q1426E (c.4276C>G) and p.Q1426H (c.4278G>C), have been identified in individuals with features consistent with neurofibromatosis type 1 (Sabbagh A et al. Hum Mutat, 2013 Nov;34:1510-8; Giugliano T et al. Genes (Basel), 2019 07;10; Bell JM et al. J Pediatr. 2021 Jul;234:134-141.e5; Napolitano F et al. Genes (Basel). 2022 Jun;13; Ambry internal data). In multiple assays testing NF1 function, this variant showed functionally abnormal results (Gutmann DH et al. Oncogene, 1993 Mar;8:761-9; Walker JA et al. Genes Dev, 2006 Dec;20:3311-23). This amino acid position is highly conserved in available vertebrate species. In addition, this alteration is predicted to be deleterious by in silico analysis. This variant is considered to be rare based on population cohorts in the Genome Aggregation Database (gnomAD). Based on the supporting evidence, this variant is interpreted as a disease-causing mutation.

Medical and Scientific Branch, Hong Kong Genome Institute
Classification: Likely pathogenic for Neurofibromatosis, type 1. Last evaluated: 2026-01-26. Review status: criteria provided, single submitter. Criteria: ACMG Guidelines, 2015. Collection method: clinical testing. Allele origin: de novo. Affected: yes.

Labcorp Genetics (formerly Invitae), Labcorp
Classification: Pathogenic for Neurofibromatosis, type 1. Last evaluated: 2025-12-02. Review status: criteria provided, single submitter. Criteria: Invitae Variant Classification Sherloc (09022015). Collection method: clinical testing. Allele origin: germline.
Comment: This sequence change replaces glutamine, which is neutral and polar, with arginine, which is basic and polar, at codon 1426 of the NF1 protein (p.Gln1426Arg). This variant is not present in population databases (gnomAD no frequency). This missense change has been observed in individuals with clinical features of neurofibromatosis type 1 (PMID: 23047742; internal data). ClinVar contains an entry for this variant (Variation ID: 188220). Invitae Evidence Modeling of protein sequence and biophysical properties (such as structural, functional, and spatial information, amino acid conservation, physicochemical variation, residue mobility, and thermodynamic stability) indicates that this missense variant is expected to disrupt NF1 protein function with a positive predictive value of 95%. Experimental studies have shown that this missense change affects NF1 function (PMID: 8437860, 17114577). This variant disrupts the p.Gln1426 amino acid residue in NF1. Other variant(s) that disrupt this residue have been determined to be pathogenic (PMID: 23913538, 26969325; internal data). This suggests that this residue is clinically significant, and that variants that disrupt this residue are likely to be disease-causing. For these reasons, this variant has been classified as Pathogenic.

NHS Central & South Genomic Laboratory Hub
Classification: Pathogenic for Neurofibromatosis type 1. Last evaluated: 2025-09-25. Review status: criteria provided, single submitter. Criteria: ACMG Guidelines, 2015. Collection method: clinical testing. Allele origin: germline. Affected: yes.

GeneDx
Classification: Pathogenic. Last evaluated: 2025-05-02. Review status: criteria provided, single submitter. Criteria: GeneDx Variant Classification Process June 2021. Collection method: clinical testing. Allele origin: germline.
Comment: Not observed at significant frequency in large population cohorts (gnomAD); In silico analysis supports that this missense variant has a deleterious effect on protein structure/function; Also known as c.4340A>G p.Gln1447Arg; This variant is associated with the following publications: (PMID: 9219873, 9687500, 17114577, 8437860, 23047742, 34860164, Bahsi2020[article], 22807134, 25486365, 33443663)

Victorian Clinical Genetics Services, Murdoch Childrens Research Institute
Classification: Pathogenic for Neurofibromatosis, type 1. Last evaluated: 2023-12-21. Review status: criteria provided, single submitter. Criteria: ACMG Guidelines, 2015. Collection method: clinical testing. Allele origin: germline. Inheritance: Autosomal dominant inheritance. Affected: yes.
Comment: Based on the classification scheme VCGS_Germline_v1.3.4, this variant is classified as Pathogenic. Following criteria are met: 0102 - Loss of function is a known mechanism of disease in this gene and is associated juvenile myelomonocytic leukemia (MIM#607785), familial spinal neurofibromatosis (MIM#162210), neurofibromatosis, type 1 (MIM#162200), neurofibromatosis-Noonan syndrome (MIM#601321) and Watson syndrome (MIM#193520). (I) 0107 - This gene is associated with autosomal dominant disease. (I) 0115 - Variants in this gene are known to have variable expressivity. Disease manifestation can be extremely variable, even within a family (GeneReviews). (I) 0200 - Variant is predicted to result in a missense amino acid change from glutamine to arginine. (I) 0251 - This variant is heterozygous. (I) 0301 - Variant is absent from gnomAD (both v2 and v3). (SP) 0502 - Missense variant with conflicting in silico predictions and uninformative conservation. (I) 0600 - Variant is located in the annotated GTPase-activator protein for Ras-like GTPase (RasGAP) domain (DECIPHER). (I) 0701 - Other missense variants comparable to the one identified in this case have very strong previous evidence for pathogenicity. The p.(Gln1447Glu), p.(Gln1447Lys), p.(Gln1447Pro) and p.(Gln1447His) variants have been classified as likely pathogenic and pathogenic by at least ten multiple clinical diagnostic laboratories (ClinVar). (SP) 0803 - This variant has limited previous evidence of pathogenicity in unrelated individuals. This variant has been classified once as pathogenic by a clinical diagnostic laboratory and has been reported in one individual with a clinical diagnosis of suspected neurofibromatosis, type 1 (ClinVar; PMID: 34860164). (SP) 0905 - No published segregation evidence has been identified for this variant. (I) 1101 - Very strong and specific phenotype match for this individual. (SP) Legend: (SP) - Supporting pathogenic, (I) - Information, (SB) - Supporting benign

Baylor Genetics
Classification: Pathogenic for Juvenile myelomonocytic leukemia. Last evaluated: 2022-11-15. Review status: criteria provided, single submitter. Criteria: ACMG Guidelines, 2015. Collection method: clinical testing. Allele origin: unknown.

Literature cited by the submitters: PubMed 17114577 (cited by Ambry Genetics and Labcorp Genetics (formerly Invitae), Labcorp); PubMed 23047742 (cited by Ambry Genetics and Labcorp Genetics (formerly Invitae), Labcorp); PubMed 34860164 (cited by Ambry Genetics and Victorian Clinical Genetics Services, Murdoch Childrens Research Institute); PubMed 8437860 (cited by Ambry Genetics and Labcorp Genetics (formerly Invitae), Labcorp); PubMed 23913538 (cited by Labcorp Genetics (formerly Invitae), Labcorp); PubMed 26969325 (cited by Labcorp Genetics (formerly Invitae), Labcorp).

NM_001042492.3(NF1):c.4340A>G (p.Gln1447Arg)

Gene: NF1 (neurofibromin 1; plus strand). Cytogenetic location: 17q11.2.
Variant type: single nucleotide variant.
Coding change: c.4340A>G on transcript NM_001042492.3 (MANE Select); coding-DNA position 4340, A replaced by G.
Protein change: p.Gln1447Arg; replaces glutamine 1447 with arginine.
Molecular consequence: missense variant.
Genome position (GRCh38, 1-based): chr17:31,259,039, A>G. VCF-style: chr17-31259039-A-G. GRCh37 (hg19) VCF-style: chr17-29586057-A-G.
Other names: c.4277A>G, p.Gln1426Arg (NM_000267.4); short protein forms Q1426R, Q1447R.
Identifiers: ClinVar variation 188220 (VCV000188220.13), dbSNP rs786204157, ClinGen allele CA334363.